The following is an entry in ClinVar:

NM_015425.6(POLR1A):c.2771G>A (p.Arg924Gln)

Genes: POLR1A (RNA polymerase I subunit A; minus strand), LOC126806263 (BRD4-independent group 4 enhancer GRCh37_chr2:86272354-86273553; plus strand). Cytogenetic location: 2p11.2.
Variant type: single nucleotide variant.
Coding change: c.2771G>A on transcript NM_015425.6 (MANE Select); coding-DNA position 2771, G replaced by A.
Protein change: p.Arg924Gln; replaces arginine 924 with glutamine.
Molecular consequence: missense variant.
Genome position (GRCh38, 1-based): chr2:86,045,732, C>T on the plus strand (G>A on the coding strand, the complement: POLR1A is on the minus strand). VCF-style: chr2-86045732-C-T. GRCh37 (hg19) VCF-style: chr2-86272855-C-T.
Other names: short protein forms R924Q.
Identifiers: ClinVar variation 1978265 (VCV001978265.4), dbSNP rs755819110, ClinGen allele CA1745957.

ClinVar aggregate classification (germline): Uncertain significance (1 of 4 stars; one submission).

Allele frequency attached by ClinVar (database versions not stated): TOPMed below 0.00001; gnomAD 0.00001; gnomAD exomes 0.00001; ExAC 0.00002.
gnomAD v4.1: 14 of 1,608,472 alleles (0.00087%); highest among the groups gnomAD compares: South Asian, 0.0011%; no homozygotes.

Submission:

Labcorp Genetics (formerly Invitae), Labcorp
Classification: Uncertain significance. Last evaluated: 2024-06-24. Review status: criteria provided, single submitter. Criteria: Invitae Variant Classification Sherloc (09022015). Collection method: clinical testing. Allele origin: germline.
Comment: This sequence change replaces arginine, which is basic and polar, with glutamine, which is neutral and polar, at codon 924 of the POLR1A protein (p.Arg924Gln). This variant is present in population databases (rs755819110, gnomAD 0.003%). This variant has not been reported in the literature in individuals affected with POLR1A-related conditions. ClinVar contains an entry for this variant (Variation ID: 1978265). Advanced modeling of protein sequence and biophysical properties (such as structural, functional, and spatial information, amino acid conservation, physicochemical variation, residue mobility, and thermodynamic stability) performed at Invitae indicates that this missense variant is expected to disrupt POLR1A protein function with a positive predictive value of 80%. Algorithms developed to predict the effect of sequence changes on RNA splicing suggest that this variant may disrupt the consensus splice site. In summary, the available evidence is currently insufficient to determine the role of this variant in disease. Therefore, it has been classified as a Variant of Uncertain Significance.